The following is an entry in ClinVar:

NM_001127208.3(TET2):c.3580C>G (p.Pro1194Ala)

Genes: TET2 (tet methylcytosine dioxygenase 2; plus strand), TET2-AS1 (TET2 antisense RNA 1; minus strand). Cytogenetic location: 4q24.
Variant type: single nucleotide variant.
Coding change: c.3580C>G on transcript NM_001127208.3 (MANE Select); coding-DNA position 3580, C replaced by G.
Protein change: p.Pro1194Ala; replaces proline 1194 with alanine.
Molecular consequence: missense variant.
Genome position (GRCh38, 1-based): chr4:105,242,913, C>G. VCF-style: chr4-105242913-C-G. GRCh37 (hg19) VCF-style: chr4-106164070-C-G.
Other names: short protein forms P1194A.
Identifiers: ClinVar variation 2804548 (VCV002804548.3), dbSNP rs1578690589, ClinGen allele CA357804685.
Genomic context (GRCh38, chr4:105,242,913, plus strand): 5'-GCTATTAGGATTGAAAGAGTCATCTATACTGGTAAAGAAGGCAAAAGTTCTCAGGGATGT[C>G]CTATTGCTAAGTGGGTAAGTGTGACTTGATAAAGCCTTTGGTCTTAAATCTTGGGCATTT-3'
Protein context (NP_001120680.1, residues 1184-1204): GKEGKSSQGC[Pro1194Ala]IAKWVVRRSS

ClinVar aggregate classification (germline): Uncertain significance (1 of 4 stars; one submission).

Submission:

Labcorp Genetics (formerly Invitae), Labcorp
Classification: Uncertain significance. Last evaluated: 2023-12-12. Review status: criteria provided, single submitter. Criteria: Invitae Variant Classification Sherloc (09022015). Collection method: clinical testing. Allele origin: germline.
Comment: This sequence change replaces proline, which is neutral and non-polar, with alanine, which is neutral and non-polar, at codon 1194 of the TET2 protein (p.Pro1194Ala). This variant is not present in population databases (gnomAD no frequency). This variant has not been reported in the literature in individuals affected with TET2-related conditions. An algorithm developed to predict the effect of missense changes on protein structure and function (PolyPhen-2) suggests that this variant is likely to be disruptive. In summary, the available evidence is currently insufficient to determine the role of this variant in disease. Therefore, it has been classified as a Variant of Uncertain Significance.